The following is an entry in ClinVar:

NM_005359.6(SMAD4):c.418G>C (p.Gly140Arg)

Gene: SMAD4 (SMAD family member 4; plus strand). Cytogenetic location: 18q21.2.
Variant type: single nucleotide variant.
Coding change: c.418G>C on transcript NM_005359.6 (MANE Select); coding-DNA position 418, G replaced by C.
Protein change: p.Gly140Arg; replaces glycine 140 with arginine.
Molecular consequence: missense variant. On other transcripts: non-coding transcript variant (2).
Genome position (GRCh38, 1-based): chr18:51,048,854, G>C. VCF-style: chr18-51048854-G-C. GRCh37 (hg19) VCF-style: chr18-48575224-G-C.
Other names: c.418G>C, p.Gly140Arg (NM_001407041.1, NM_001407042.1, NM_001407043.1); short protein forms G140R.
Identifiers: ClinVar variation 5029724 (VCV005029724.1).

ClinVar aggregate classification (germline): Uncertain significance (1 of 4 stars; one submission).

Conditions:
Familial thoracic aortic aneurysm and aortic dissection (TAAD). Also called: Thoracic aortic aneurysms and dissections. Identifiers: Orphanet 91387, MedGen C4707243, MONDO:0019625.
Hereditary cancer-predisposing syndrome. Also called: Neoplastic Syndromes, Hereditary; Tumor predisposition; Hereditary neoplastic syndrome; Hereditary Cancer Syndrome. Identifiers: Orphanet 140162, MedGen C0027672, MeSH D009386, MONDO:0015356.

Submission:

Ambry Genetics
Classification: Uncertain significance for Hereditary cancer-predisposing syndrome; Familial thoracic aortic aneurysm and aortic dissection. Last evaluated: 2026-06-29. Review status: criteria provided, single submitter. Criteria: Ambry Variant Classification Scheme 2023. Collection method: clinical testing. Allele origin: germline.
Comment: The p.G140R variant (also known as c.418G>C), located in coding exon 2 of the SMAD4 gene, results from a G to C substitution at nucleotide position 418. The glycine at codon 140 is replaced by arginine, an amino acid with dissimilar properties. This amino acid position is conserved. In addition, the in silico prediction for this alteration is inconclusive. Based on the available evidence, the clinical significance of this variant remains unclear.